The following is an entry in ClinVar:

NM_005732.4(RAD50):c.734A>C (p.Glu245Ala)

Gene: RAD50 (RAD50 double strand break repair protein; plus strand). Cytogenetic location: 5q31.1.
Variant type: single nucleotide variant.
Coding change: c.734A>C on transcript NM_005732.4 (MANE Select); coding-DNA position 734, A replaced by C.
Protein change: p.Glu245Ala; replaces glutamic acid 245 with alanine.
Molecular consequence: missense variant.
Genome position (GRCh38, 1-based): chr5:132,580,044, A>C. VCF-style: chr5-132580044-A-C. GRCh37 (hg19) VCF-style: chr5-131915736-A-C.
Other names: short protein forms E245A.
Identifiers: ClinVar variation 457486 (VCV000457486.9), dbSNP rs1554097829, ClinGen allele CA360937260.

ClinVar aggregate classification (germline): Uncertain significance (1 of 4 stars; one submission).

Conditions:
Hereditary cancer-predisposing syndrome. Also called: Neoplastic Syndromes, Hereditary; Tumor predisposition; Hereditary Cancer Syndrome; Hereditary neoplastic syndrome. Identifiers: Orphanet 140162, MedGen C0027672, MeSH D009386, MONDO:0015356.

Submission:

Labcorp Genetics (formerly Invitae), Labcorp
Classification: Uncertain significance for Hereditary cancer-predisposing syndrome. Last evaluated: 2017-07-26. Review status: criteria provided, single submitter. Criteria: Invitae Variant Classification Sherloc (09022015). Collection method: clinical testing. Allele origin: germline.
Comment: In summary, the available evidence is currently insufficient to determine the role of this variant in disease. Therefore, it has been classified as a Variant of Uncertain Significance. Algorithms developed to predict the effect of missense changes on protein structure and function do not agree on the potential impact of this missense change (SIFT: "Deleterious"; PolyPhen-2: "Possibly Damaging"; Align-GVGD: "Class C15"). This variant has not been reported in the literature in individuals with RAD50-related disease. This variant is not present in population databases (ExAC no frequency). This sequence change replaces glutamic acid with alanine at codon 245 of the RAD50 protein (p.Glu245Ala). The glutamic acid residue is highly conserved and there is a moderate physicochemical difference between glutamic acid and alanine.